The following is an entry in ClinVar:

NM_017849.4(TMEM127):c.400A>G (p.Ile134Val)

Gene: TMEM127 (transmembrane protein 127; minus strand). Cytogenetic location: 2q11.2.
Variant type: single nucleotide variant.
Coding change: c.400A>G on transcript NM_017849.4 (MANE Select); coding-DNA position 400, A replaced by G.
Protein change: p.Ile134Val; replaces isoleucine 134 with valine.
Molecular consequence: missense variant.
Genome position (GRCh38, 1-based): chr2:96,254,842, T>C on the plus strand (A>G on the coding strand, the complement: TMEM127 is on the minus strand). VCF-style: chr2-96254842-T-C. GRCh37 (hg19) VCF-style: chr2-96920580-T-C.
Other names: c.400A>G, p.Ile134Val (NM_001193304.3); c.148A>G, p.Ile50Val (NM_001407282.1, NM_001407283.1); short protein forms I134V, I50V.
Identifiers: ClinVar variation 3240611 (VCV003240611.2), dbSNP rs762156788.

ClinVar aggregate classification (germline): Uncertain significance. Review status: criteria provided, multiple submitters, no conflicts (2 of 4 stars). 2 submissions from 2 submitters: Uncertain significance (2). Last evaluated 2026-07-07.

Conditions:
Pheochromocytoma. Also called: MAX-Related Hereditary Paraganglioma-Pheochromocytoma Syndrome. Identifiers: Orphanet 29072, MedGen C0031511, MONDO:0008233, OMIM 171300, HP:0002666.
Hereditary cancer-predisposing syndrome. Also called: Neoplastic Syndromes, Hereditary; Tumor predisposition; Hereditary Cancer Syndrome; Hereditary neoplastic syndrome. Identifiers: Orphanet 140162, MedGen C0027672, MeSH D009386, MONDO:0015356.

Allele frequency attached by ClinVar (database versions not stated): ExAC 0.00002; gnomAD exomes below 0.00001.
gnomAD v4.1: 4 of 1,614,034 alleles (0.00025%); highest among the groups gnomAD compares: Non-Finnish European, 0.00034%; no homozygotes.

Submissions (2):

Ambry Genetics
Classification: Uncertain significance for Hereditary cancer-predisposing syndrome. Last evaluated: 2026-07-07. Review status: criteria provided, single submitter. Criteria: Ambry Variant Classification Scheme 2023. Collection method: clinical testing. Allele origin: germline.
Comment: The p.I134V variant (also known as c.400A>G), located in coding exon 2 of the TMEM127 gene, results from an A to G substitution at nucleotide position 400. The isoleucine at codon 134 is replaced by valine, an amino acid with highly similar properties. This amino acid position is conserved. In addition, the in silico prediction for this alteration is inconclusive. Based on the available evidence, the clinical significance of this variant remains unclear.

Baylor Genetics
Classification: Uncertain significance for Pheochromocytoma. Last evaluated: 2023-12-26. Review status: criteria provided, single submitter. Criteria: ACMG Guidelines, 2015. Collection method: clinical testing. Allele origin: unknown.